The following is an entry in ClinVar:

ClinVar aggregate classification (germline): Likely benign (1 of 4 stars; one submission).

Submission:

CeGaT Center for Human Genetics Tuebingen
Classification: Likely benign. Last evaluated: 2022-08-01. Review status: criteria provided, single submitter. Criteria: CeGaT Center For Human Genetics Tuebingen Variant Classification Criteria Version 2. Collection method: clinical testing. Allele origin: germline. Affected: yes. Observed: 1 variant allele.
Comment: RAI2: PM2:Supporting, BP4, BP7

NM_021785.6(RAI2):c.816C>T (p.Gly272=)

Gene: RAI2 (retinoic acid induced 2; minus strand). Cytogenetic location: Xp22.13.
Variant type: single nucleotide variant.
Coding change: c.816C>T on transcript NM_021785.6 (MANE Select); coding-DNA position 816, C replaced by T.
Protein change: p.Gly272=; no amino-acid change (glycine 272 retained).
Molecular consequence: synonymous variant. On other transcripts: non-coding transcript variant (2).
Genome position (GRCh38, 1-based): chrX:17,801,195, G>A on the plus strand (C>T on the coding strand, the complement: RAI2 is on the minus strand). VCF-style: chrX-17801195-G-A. GRCh37 (hg19) VCF-style: chrX-17819315-G-A.
Other names: c.666C>T, p.Gly222= (NM_001172732.2); c.816C>T, p.Gly272= (NM_001172739.2, NM_001172743.2).
Identifiers: ClinVar variation 2660092 (VCV002660092.24), dbSNP rs2520068738, ClinGen allele CA515640093.
Genomic context (GRCh38, chrX:17,801,195, plus strand): 5'-GTCAAAGGGCTTCAGTTCATCTTTTTCCAGAGGGGTCTGGGTGCCTTTAAAGGGGTGCAG[G>A]CCGAAGGAAGATGGTGGCTTGGGGAAACTGGAGCTGAACTTGGATTCAGAACTCTGAGGC-3'
Protein context (NP_068557.4, residues 262-282): SSFPKPPSSF[Gly272=]LHPFKGTQTP